The following is an entry in ClinVar:

NM_001372044.2(SHANK3):c.3722C>T (p.Pro1241Leu)

Gene: SHANK3 (SH3 and multiple ankyrin repeat domains 3; plus strand). Cytogenetic location: 22q13.33.
Variant type: single nucleotide variant.
Coding change: c.3722C>T on transcript NM_001372044.2 (MANE Select); coding-DNA position 3722, C replaced by T.
Protein change: p.Pro1241Leu; replaces proline 1241 with leucine.
Molecular consequence: missense variant.
Genome position (GRCh38, 1-based): chr22:50,721,330, C>T. VCF-style: chr22-50721330-C-T. GRCh37 (hg19) VCF-style: chr22-51159758-C-T.
Other names: short protein forms P1241L.
Identifiers: ClinVar variation 4281130 (VCV004281130.7).
Genomic context (GRCh38, chr22:50,721,330, plus strand): 5'-TACAGGCCCGGGACCCAGAGCGAGGGTCCCTGGCTTCCCCGGCTTTCTCCCCACGGAGCC[C>T]AGCCTGGATTCCTGTGCCTGCTCGCAGGGAGGCAGAGAAGGTCCCCCGGGAGGAGCGGAA-3'
Protein context (NP_001358973.1, residues 1231-1251): LASPAFSPRS[Pro1241Leu]AWIPVPARRE

ClinVar aggregate classification (germline): Likely benign (1 of 4 stars; one submission).

Submission:

CeGaT Center for Human Genetics Tuebingen
Classification: Likely benign. Last evaluated: 2025-09-01. Review status: criteria provided, single submitter. Criteria: CeGaT Center For Human Genetics Tuebingen Variant Classification Criteria Version 2. Collection method: clinical testing. Allele origin: germline. Affected: yes. Observed: 1 variant allele.
Comment: SHANK3: BP2